The following is an entry in ClinVar:

ClinVar aggregate classification (germline): Uncertain significance (1 of 4 stars; one submission).

Conditions:
Hereditary spastic paraplegia 39 (SPG39). Also called: Spastic Paraplegia Type 39 (SPG39); SPASTIC PARAPLEGIA 39, AUTOSOMAL RECESSIVE. Identifiers: Orphanet 139480, MedGen C2677586, MONDO:0012787, OMIM 612020.

Allele frequency attached by ClinVar (database versions not stated): gnomAD exomes below 0.00001.
gnomAD v4.1: 1 of 1,592,990 alleles (0.000063%); highest among the groups gnomAD compares: Non-Finnish European, 0.000085%; no homozygotes.

Submission:

Labcorp Genetics (formerly Invitae), Labcorp
Classification: Uncertain significance for Hereditary spastic paraplegia 39. Last evaluated: 2022-06-12. Review status: criteria provided, single submitter. Criteria: Invitae Variant Classification Sherloc (09022015). Collection method: clinical testing. Allele origin: germline.
Comment: In summary, the available evidence is currently insufficient to determine the role of this variant in disease. Therefore, it has been classified as a Variant of Uncertain Significance. Algorithms developed to predict the effect of missense changes on protein structure and function are either unavailable or do not agree on the potential impact of this missense change (SIFT: "Tolerated"; PolyPhen-2: "Probably Damaging"; Align-GVGD: "Class C0"). This variant has not been reported in the literature in individuals affected with PNPLA6-related conditions. This variant is not present in population databases (gnomAD no frequency). This sequence change replaces serine, which is neutral and polar, with proline, which is neutral and non-polar, at codon 894 of the PNPLA6 protein (p.Ser894Pro).

NM_001166114.2(PNPLA6):c.2794T>C (p.Ser932Pro)

Gene: PNPLA6 (patatin like domain 6, lysophospholipase; plus strand). Cytogenetic location: 19p13.2.
Variant type: single nucleotide variant.
Coding change: c.2794T>C on transcript NM_001166114.2 (MANE Select); coding-DNA position 2794, T replaced by C.
Protein change: p.Ser932Pro; replaces serine 932 with proline.
Molecular consequence: missense variant.
Genome position (GRCh38, 1-based): chr19:7,555,052, T>C. VCF-style: chr19-7555052-T-C. GRCh37 (hg19) VCF-style: chr19-7619938-T-C.
Other names: c.2824T>C, p.Ser942Pro (NM_001166111.2); c.2599T>C, p.Ser867Pro (NM_001166112.2); c.2680T>C, p.Ser894Pro (NM_001166113.1, NM_006702.5); short protein forms S932P, S942P, S867P, S894P.
Identifiers: ClinVar variation 2004967 (VCV002004967.4), dbSNP rs2512552478, ClinGen allele CA403130110.